The following is an entry in ClinVar:

ClinVar aggregate classification (germline): Likely benign (1 of 4 stars; one submission).

Conditions:
Breast-ovarian cancer, familial, susceptibility to, 3. Also called: RAD51C-Related Breast/Ovarian Cancer. Identifiers: Orphanet 145, MedGen C3150659, MONDO:0013253, OMIM 613399.

Submission:

Myriad Genetics, Inc.
Classification: Likely benign for Breast-ovarian cancer, familial, susceptibility to, 3. Last evaluated: 2025-02-18. Review status: criteria provided, single submitter. Criteria: Myriad Autosomal Dominant, Autosomal Recessive and X-Linked Classification Criteria (2023). Collection method: clinical testing. Allele origin: unknown.
Comment: This variant is considered likely benign. This variant is intronic and is not expected to impact mRNA splicing.

NM_058216.3(RAD51C):c.404+10A>G

Gene: RAD51C (RAD51 paralog C; plus strand). Cytogenetic location: 17q22.
Variant type: single nucleotide variant.
Coding change: c.404+10A>G on transcript NM_058216.3 (MANE Select); 10 bases into the intron after coding-DNA position 404, A replaced by G.
Molecular consequence: intron variant. On other transcripts: 3 prime UTR variant (1), non-coding transcript variant (1).
Genome position (GRCh38, 1-based): chr17:58,695,199, A>G. VCF-style: chr17-58695199-A-G. GRCh37 (hg19) VCF-style: chr17-56772560-A-G.
Other names: c.*6A>G (NM_002876.4).
Identifiers: ClinVar variation 3903835 (VCV003903835.1).
Genomic context (GRCh38, chr17:58,695,199, plus strand): 5'-GAAAACAACAGAAATTTGTGGTGCACCAGGTGTTGGAAAAACACAATTATGGTAAAATAA[A>G]GTGTTCTCCTTTTAAGGGTGGGTTTAATAACATATTATGAAAGTAGTATTTTGTACTATC-3'